The following is an entry in ClinVar:

ClinVar aggregate classification (germline): Uncertain significance. Review status: criteria provided, multiple submitters, no conflicts (2 of 4 stars). 2 submissions from 2 submitters: Uncertain significance (2). Last evaluated 2023-08-17.

Conditions:
Hereditary cancer-predisposing syndrome. Also called: Neoplastic Syndromes, Hereditary; Tumor predisposition; Hereditary neoplastic syndrome; Hereditary Cancer Syndrome. Identifiers: Orphanet 140162, MedGen C0027672, MeSH D009386, MONDO:0015356.
Familial adenomatous polyposis 1 (FAP1). Also called: POLYPOSIS, ADENOMATOUS INTESTINAL; FAMILIAL ADENOMATOUS POLYPOSIS 1, ATTENUATED. Identifiers: MedGen C2713442, MONDO:0021056, OMIM 175100. Disease mechanism: loss of function.

Submissions (2):

Labcorp Genetics (formerly Invitae), Labcorp
Classification: Uncertain significance for Familial adenomatous polyposis 1. Last evaluated: 2023-08-17. Review status: criteria provided, single submitter. Criteria: Invitae Variant Classification Sherloc (09022015). Collection method: clinical testing. Allele origin: germline.
Comment: This sequence change replaces glutamic acid, which is acidic and polar, with aspartic acid, which is acidic and polar, at codon 2097 of the APC protein (p.Glu2097Asp). This variant is not present in population databases (gnomAD no frequency). This variant has not been reported in the literature in individuals affected with APC-related conditions. ClinVar contains an entry for this variant (Variation ID: 826302). Advanced modeling of protein sequence and biophysical properties (such as structural, functional, and spatial information, amino acid conservation, physicochemical variation, residue mobility, and thermodynamic stability) performed at Invitae indicates that this missense variant is not expected to disrupt APC protein function. In summary, the available evidence is currently insufficient to determine the role of this variant in disease. Therefore, it has been classified as a Variant of Uncertain Significance.

Ambry Genetics
Classification: Uncertain significance for Hereditary cancer-predisposing syndrome. Last evaluated: 2019-03-05. Review status: criteria provided, single submitter. Criteria: Ambry Variant Classification Scheme 2023. Collection method: clinical testing. Allele origin: germline.
Comment: The p.E2097D variant (also known as c.6291A>C), located in coding exon 15 of the APC gene, results from an A to C substitution at nucleotide position 6291. The glutamic acid at codon 2097 is replaced by aspartic acid, an amino acid with highly similar properties. This amino acid position is highly conserved in available vertebrate species. In addition, in silico predictors for this gene do not accurately predict pathogenicity. Since supporting evidence is limited at this time, the clinical significance of this alteration remains unclear.

NM_000038.6(APC):c.6291A>C (p.Glu2097Asp)

Gene: APC (APC regulator of Wnt signaling pathway; plus strand). Cytogenetic location: 5q22.2.
Variant type: single nucleotide variant.
Coding change: c.6291A>C on transcript NM_000038.6 (MANE Select); coding-DNA position 6291, A replaced by C.
Protein change: p.Glu2097Asp; replaces glutamic acid 2097 with aspartic acid.
Molecular consequence: missense variant.
Genome position (GRCh38, 1-based): chr5:112,841,885, A>C. VCF-style: chr5-112841885-A-C. GRCh37 (hg19) VCF-style: chr5-112177582-A-C.
Other names: c.6291A>C, p.Glu2097Asp (NM_001127510.3, NM_001354895.2); c.6237A>C, p.Glu2079Asp (NM_001127511.3); c.6345A>C, p.Glu2115Asp (NM_001354896.2); c.6321A>C, p.Glu2107Asp (NM_001354897.2); c.6216A>C, p.Glu2072Asp (NM_001354898.2); c.6207A>C, p.Glu2069Asp (NM_001354899.2); c.6168A>C, p.Glu2056Asp (NM_001354900.2); c.6114A>C, p.Glu2038Asp (NM_001354901.2); and 5 more; short protein forms E1937D, E2069D, E2072D, E2115D, E1814D, E2006D, E2038D, E2056D.
Identifiers: ClinVar variation 826302 (VCV000826302.7), dbSNP rs1580669501, ClinGen allele CA16035103.